The following is an entry in ClinVar:

ClinVar aggregate classification (germline): Conflicting classifications of pathogenicity. Review status: criteria provided, conflicting classifications (1 of 4 stars). 2 submissions from 2 submitters: Uncertain significance (1); Likely benign (1). Last evaluated 2025-10-01.

Allele frequency attached by ClinVar (database versions not stated): gnomAD exomes below 0.00001; TOPMed below 0.00001.
gnomAD v4.1: 3 of 1,613,928 alleles (0.00019%); highest among the groups gnomAD compares: Non-Finnish European, 0.00025%; no homozygotes.

Submissions (2):

CeGaT Center for Human Genetics Tuebingen
Classification: Likely benign. Last evaluated: 2025-10-01. Review status: criteria provided, single submitter. Criteria: CeGaT Center For Human Genetics Tuebingen Variant Classification Criteria Version 2. Collection method: clinical testing. Allele origin: germline. Affected: yes. Observed: 1 variant allele.
Comment: MYO15A: BP4, BP7

Labcorp Genetics (formerly Invitae), Labcorp
Classification: Uncertain significance. Last evaluated: 2022-05-21. Review status: criteria provided, single submitter. Criteria: Invitae Variant Classification Sherloc (09022015). Collection method: clinical testing. Allele origin: germline.
Comment: This variant is present in population databases (no rsID available, gnomAD 0.0009%). This sequence change affects codon 1314 of the MYO15A mRNA. It is a 'silent' change, meaning that it does not change the encoded amino acid sequence of the MYO15A protein. It affects a nucleotide within the consensus splice site. This variant has not been reported in the literature in individuals affected with MYO15A-related conditions. In summary, the available evidence is currently insufficient to determine the role of this variant in disease. Therefore, it has been classified as a Variant of Uncertain Significance. Algorithms developed to predict the effect of sequence changes on RNA splicing suggest that this variant is not likely to affect RNA splicing.

NM_016239.4(MYO15A):c.3942T>C (p.Ser1314=)

Gene: MYO15A (myosin XVA; plus strand). Cytogenetic location: 17p11.2.
Variant type: single nucleotide variant.
Coding change: c.3942T>C on transcript NM_016239.4 (MANE Select); coding-DNA position 3942, T replaced by C.
Protein change: p.Ser1314=; no amino-acid change (serine 1314 retained).
Molecular consequence: synonymous variant.
Genome position (GRCh38, 1-based): chr17:18,127,075, T>C. VCF-style: chr17-18127075-T-C. GRCh37 (hg19) VCF-style: chr17-18030389-T-C.
Identifiers: ClinVar variation 1935249 (VCV001935249.11), dbSNP rs1293262938, ClinGen allele CA498197998.